The following is an entry in ClinVar:

NM_004260.4(RECQL4):c.1433A>G (p.His478Arg)

Gene: RECQL4 (RecQ like helicase 4; minus strand). Cytogenetic location: 8q24.3.
Variant type: single nucleotide variant.
Coding change: c.1433A>G on transcript NM_004260.4 (MANE Select); coding-DNA position 1433, A replaced by G.
Protein change: p.His478Arg; replaces histidine 478 with arginine.
Molecular consequence: missense variant.
Genome position (GRCh38, 1-based): chr8:144,515,200, T>C on the plus strand (A>G on the coding strand, the complement: RECQL4 is on the minus strand). VCF-style: chr8-144515200-T-C. GRCh37 (hg19) VCF-style: chr8-145740584-T-C.
Other names: short protein forms H478R.
Identifiers: ClinVar variation 1378342 (VCV001378342.6), dbSNP rs925385244, ClinGen allele CA187687200.

ClinVar aggregate classification (germline): Uncertain significance (1 of 4 stars; one submission).

Conditions:
Baller-Gerold syndrome (BGS). Also called: CRANIOSYNOSTOSIS WITH RADIAL DEFECTS. Identifiers: Orphanet 1225, MedGen C0265308, MONDO:0009039, OMIM 218600.

Submission:

Labcorp Genetics (formerly Invitae), Labcorp
Classification: Uncertain significance for Baller-Gerold syndrome. Last evaluated: 2021-02-15. Review status: criteria provided, single submitter. Criteria: Invitae Variant Classification Sherloc (09022015). Collection method: clinical testing. Allele origin: germline.
Comment: This sequence change replaces histidine with arginine at codon 478 of the RECQL4 protein (p.His478Arg). The histidine residue is moderately conserved and there is a small physicochemical difference between histidine and arginine. This variant is not present in population databases (ExAC no frequency). In summary, the available evidence is currently insufficient to determine the role of this variant in disease. Therefore, it has been classified as a Variant of Uncertain Significance. Experimental studies and prediction algorithms are not available or were not evaluated, and the functional significance of this variant is currently unknown. This variant has not been reported in the literature in individuals with RECQL4-related conditions.